The following is an entry in ClinVar:

ClinVar aggregate classification (germline): Uncertain significance (1 of 4 stars; one submission).

Conditions:
Warts, hypogammaglobulinemia, infections, and myelokathexis. Also called: WHIM syndrome. Identifiers: MedGen C0472817, MONDO:0023880.

Allele frequency attached by ClinVar (database versions not stated): gnomAD exomes below 0.00001.

Submission:

Labcorp Genetics (formerly Invitae), Labcorp
Classification: Uncertain significance for Warts, hypogammaglobulinemia, infections, and myelokathexis. Last evaluated: 2019-12-06. Review status: criteria provided, single submitter. Criteria: Invitae Variant Classification Sherloc (09022015). Collection method: clinical testing. Allele origin: germline.
Comment: In summary, the available evidence is currently insufficient to determine the role of this variant in disease. Therefore, it has been classified as a Variant of Uncertain Significance. Algorithms developed to predict the effect of missense changes on protein structure and function are either unavailable or do not agree on the potential impact of this missense change (SIFT: "Deleterious"; PolyPhen-2: "Probably Damaging"; Align-GVGD: "Class C0"). This variant has not been reported in the literature in individuals with CXCR4-related conditions. This variant is not present in population databases (ExAC no frequency). This sequence change replaces lysine with glutamic acid at codon 310 of the CXCR4 protein (p.Lys310Glu). The lysine residue is highly conserved and there is a small physicochemical difference between lysine and glutamic acid.

NM_003467.3(CXCR4):c.928A>G (p.Lys310Glu)

Gene: CXCR4 (C-X-C motif chemokine receptor 4; minus strand). Cytogenetic location: 2q22.1.
Variant type: single nucleotide variant.
Coding change: c.928A>G on transcript NM_003467.3 (MANE Select); coding-DNA position 928, A replaced by G.
Protein change: p.Lys310Glu; replaces lysine 310 with glutamic acid.
Molecular consequence: missense variant.
Genome position (GRCh38, 1-based): chr2:136,115,000, T>C on the plus strand (A>G on the coding strand, the complement: CXCR4 is on the minus strand). VCF-style: chr2-136115000-T-C. GRCh37 (hg19) VCF-style: chr2-136872570-T-C.
Other names: c.940A>G, p.Lys314Glu (NM_001008540.2); c.1141A>G, p.Lys381Glu (NM_001348056.2); c.1027A>G, p.Lys343Glu (NM_001348059.2); c.883A>G, p.Lys295Glu (NM_001348060.2); short protein forms K310E, K314E, K295E, K343E, K381E.
Identifiers: ClinVar variation 855157 (VCV000855157.10), dbSNP rs1684843543, ClinGen allele CA348657649.
Genomic context (GRCh38, chr2:136,115,000, plus strand): 5'-AGAGGATCTTGAGGCTGGACCCTCTGCTCACAGAGGTGAGTGCGTGCTGGGCAGAGGTTT[T>C]AAATTTGGCTCCAAGGAAAGCATAGAGGATGGGGTTCAGACAACAGTGGAAGAAAGCTAG-3'
Protein context (NP_003458.1, residues 300-320): ILYAFLGAKF[Lys310Glu]TSAQHALTSV